The following is an entry in ClinVar:

NM_005998.5(CCT3):c.1518T>G (p.Tyr506Ter)

Gene: CCT3 (chaperonin containing TCP1 subunit 3; minus strand). Cytogenetic location: 1q22.
Variant type: single nucleotide variant.
Coding change: c.1518T>G on transcript NM_005998.5 (MANE Select); coding-DNA position 1518, T replaced by G.
Protein change: p.Tyr506Ter; replaces tyrosine 506 with a stop codon.
Molecular consequence: nonsense. On other transcripts: non-coding transcript variant (2).
Genome position (GRCh38, 1-based): chr1:156,310,573, A>C on the plus strand (T>G on the coding strand, the complement: CCT3 is on the minus strand). VCF-style: chr1-156310573-A-C. GRCh37 (hg19) VCF-style: chr1-156280364-A-C.
Other names: c.1404T>G, p.Tyr468Ter (NM_001008800.3); short protein forms Y468*, Y506*.
Identifiers: ClinVar variation 4072652 (VCV004072652.1).

ClinVar aggregate classification (germline): Uncertain significance (1 of 4 stars; one submission).

Submission:

GeneDx
Classification: Uncertain significance. Last evaluated: 2025-02-02. Review status: criteria provided, single submitter. Criteria: GeneDx Variant Classification Process June 2021. Collection method: clinical testing. Allele origin: germline. Affected: yes.
Comment: Not observed at significant frequency in large population cohorts (gnomAD); Has not been previously published as pathogenic or benign to our knowledge; Nonsense variant predicted to result in protein truncation as the last 40 amino acid(s) are lost with an unclear effect on protein function